The following is an entry in ClinVar:

ClinVar aggregate classification (germline): Likely pathogenic (1 of 4 stars; one submission).

gnomAD v4.1: 62 of 1,610,280 alleles (0.0039%); highest among the groups gnomAD compares: Non-Finnish European, 0.0053%; no homozygotes.

Submission:

Labcorp Genetics (formerly Invitae), Labcorp
Classification: Likely pathogenic. Last evaluated: 2025-01-07. Review status: criteria provided, single submitter. Criteria: Invitae Variant Classification Sherloc (09022015). Collection method: clinical testing. Allele origin: germline.
Comment: This sequence change replaces tryptophan, which is neutral and slightly polar, with arginine, which is basic and polar, at codon 202 of the PPA2 protein (p.Trp202Arg). This variant is present in population databases (rs747704356, gnomAD 0.0009%). This variant has not been reported in the literature in individuals affected with PPA2-related conditions. Invitae Evidence Modeling of protein sequence and biophysical properties (such as structural, functional, and spatial information, amino acid conservation, physicochemical variation, residue mobility, and thermodynamic stability) indicates that this missense variant is expected to disrupt PPA2 protein function with a positive predictive value of 95%. This variant disrupts the p.Trp202 amino acid residue in PPA2. Other variant(s) that disrupt this residue have been determined to be pathogenic (PMID: 34400813). This suggests that this residue is clinically significant, and that variants that disrupt this residue are likely to be disease-causing. In summary, the currently available evidence indicates that the variant is pathogenic, but additional data are needed to prove that conclusively. Therefore, this variant has been classified as Likely Pathogenic.

Literature cited by the submitters: PubMed 34400813.

NM_176869.3(PPA2):c.604T>C (p.Trp202Arg)

Gene: PPA2 (inorganic pyrophosphatase 2; minus strand). Cytogenetic location: 4q24.
Variant type: single nucleotide variant.
Coding change: c.604T>C on transcript NM_176869.3 (MANE Select); coding-DNA position 604, T replaced by C.
Protein change: p.Trp202Arg; replaces tryptophan 202 with arginine.
Molecular consequence: missense variant. On other transcripts: intron variant (1).
Genome position (GRCh38, 1-based): chr4:105,424,247, A>G on the plus strand (T>C on the coding strand, the complement: PPA2 is on the minus strand). VCF-style: chr4-105424247-A-G. GRCh37 (hg19) VCF-style: chr4-106345404-A-G.
Other names: c.517T>C, p.Trp173Arg (NM_006903.4); c.298T>C, p.Trp100Arg (NM_176866.2); c.158-25083T>C (NM_176867.3); short protein forms W100R, W173R, W202R.
Identifiers: ClinVar variation 3622310 (VCV003622310.2).